The following is an entry in ClinVar:

NM_052947.4(ALPK2):c.2236G>A (p.Ala746Thr)

Gene: ALPK2 (alpha kinase 2; minus strand). Cytogenetic location: 18q21.31.
Variant type: single nucleotide variant.
Coding change: c.2236G>A on transcript NM_052947.4 (MANE Select); coding-DNA position 2236, G replaced by A.
Protein change: p.Ala746Thr; replaces alanine 746 with threonine.
Molecular consequence: missense variant.
Genome position (GRCh38, 1-based): chr18:58,537,951, C>T on the plus strand (G>A on the coding strand, the complement: ALPK2 is on the minus strand). VCF-style: chr18-58537951-C-T. GRCh37 (hg19) VCF-style: chr18-56205183-C-T.
Other names: short protein forms A746T.
Identifiers: ClinVar variation 1788192 (VCV001788192.2), dbSNP rs2144149456, ClinGen allele CA402571197.

ClinVar aggregate classification (germline): Uncertain significance (1 of 4 stars; one submission).

Allele frequency attached by ClinVar (database versions not stated): 1000 Genomes Project 30x 0.00016.

Submission:

Ambry Genetics
Classification: Uncertain significance. Last evaluated: 2021-12-01. Review status: criteria provided, single submitter. Criteria: Ambry Variant Classification Scheme 2023. Collection method: clinical testing. Allele origin: germline.
Comment: The p.A746T variant (also known as c.2236G>A), located in coding exon 4 of the ALPK2 gene, results from a G to A substitution at nucleotide position 2236. The alanine at codon 746 is replaced by threonine, an amino acid with similar properties. This amino acid position is conserved. In addition, this alteration is predicted to be tolerated by in silico analysis. Since supporting evidence is limited at this time, the clinical significance of this alteration remains unclear.